The following is an entry in ClinVar:

ClinVar aggregate classification (germline): Benign/Likely benign. Review status: criteria provided, multiple submitters, no conflicts (2 of 4 stars). 17 submissions from 15 submitters: Benign (9); Likely benign (2). 6 of the submissions do not count toward it. Last evaluated 2026-02-04.

Conditions:
Arrhythmogenic right ventricular dysplasia 8 (ARVD8). Also called: ARRHYTHMOGENIC RIGHT VENTRICULAR DYSPLASIA, FAMILIAL, 8; ARRHYTHMOGENIC RIGHT VENTRICULAR CARDIOMYOPATHY 8; Arrhythmogenic Right Ventricular Dysplasia/Cardiomyopathy 8. Identifiers: MedGen C1843896, MONDO:0011831, OMIM 607450.
Arrhythmogenic cardiomyopathy with wooly hair and keratoderma. Also called: Dilated cardiomyopathy with woolly hair and keratoderma; Arrhythmogenic cardiomyopathy with woolly hair and keratoderma; PALMOPLANTAR KERATODERMA WITH LEFT VENTRICULAR CARDIOMYOPATHY AND WOOLLY HAIR; Carvajal syndrome. Identifiers: Orphanet 65282, MedGen C1854063, MONDO:0011581, OMIM 605676.
Cardiomyopathy (CMYO). Also called: Cardiomyopathies. Identifiers: Orphanet 167848, MedGen C0878544, MONDO:0004994, HP:0001638. Inheritance: Various modes of inheritance.
Lethal acantholytic epidermolysis bullosa (EBLA). Identifiers: Orphanet 158687, MedGen C1864826, MONDO:0012323, OMIM 609638.
Woolly hair-skin fragility syndrome (WHSF). Identifiers: Orphanet 293165, MedGen C1843292, MONDO:0957307, OMIM 620415.

Allele frequency attached by ClinVar (database versions not stated): 1000 Genomes Project 0.01258; 1000 Genomes Project 30x 0.01265; gnomAD exomes 0.02349; gnomAD 0.02370 and 0.02451; TOPMed 0.02495; ExAC 0.02514; ESP Exome Variant Server 0.02730.
gnomAD v4.1: 53,079 of 1,612,588 alleles (3.3%); highest among the groups gnomAD compares: Non-Finnish European, 4%; 1,038 homozygotes.

Submissions (17):

Labcorp Genetics (formerly Invitae), Labcorp
Classification: Benign for Arrhythmogenic cardiomyopathy with wooly hair and keratoderma; Arrhythmogenic right ventricular dysplasia 8. Last evaluated: 2026-02-04. Review status: criteria provided, single submitter. Criteria: Invitae Variant Classification Sherloc (09022015). Collection method: clinical testing. Allele origin: germline.

Molecular Diagnostic Laboratory for Inherited Cardiovascular Disease, Montreal Heart Institute
Classification: Benign. Last evaluated: 2025-02-17. Review status: criteria provided, single submitter. Criteria: ACMG Guidelines, 2015. Collection method: clinical testing. Allele origin: germline. Affected: no.

Blueprint Genetics
Classification: Benign. Last evaluated: 2024-11-26. Review status: criteria provided, single submitter. Criteria: ACMG Guidelines, 2015. Collection method: clinical testing. Allele origin: germline.

Illumina Laboratory Services, Illumina
Classification: Benign for Arrhythmogenic cardiomyopathy with wooly hair and keratoderma. Last evaluated: 2018-01-13. Review status: criteria provided, single submitter. Criteria: ICSL Variant Classification Criteria 13 December 2019. Collection method: clinical testing. Allele origin: germline.
Comment: This variant was observed in the ICSL laboratory as part of a predisposition screen in an ostensibly healthy population. It had not been previously curated by ICSL or reported in the Human Gene Mutation Database (HGMD: prior to June 1st, 2018), and was therefore a candidate for classification through an automated scoring system. Utilizing variant allele frequency, disease prevalence and penetrance estimates, and inheritance mode, an automated score was calculated to assess if this variant is too frequent to cause the disease. Based on the score and internal cut-off values, a variant classified as benign is not then subjected to further curation. The score for this variant resulted in a classification of benign for this disease.

Illumina Laboratory Services, Illumina
Classification: Likely benign for Arrhythmogenic right ventricular dysplasia 8. Last evaluated: 2018-01-13. Review status: criteria provided, single submitter. Criteria: ICSL Variant Classification Criteria 13 December 2019. Collection method: clinical testing. Allele origin: germline.
Comment: This variant was observed in the ICSL laboratory as part of a predisposition screen in an ostensibly healthy population. It had not been previously curated by ICSL or reported in the Human Gene Mutation Database (HGMD: prior to June 1st, 2018), and was therefore a candidate for classification through an automated scoring system. Utilizing variant allele frequency, disease prevalence and penetrance estimates, and inheritance mode, an automated score was calculated to assess if this variant is too frequent to cause the disease. Based on the score and internal cut-off values, a variant classified as likely benign is not then subjected to further curation. The score for this variant resulted in a classification of likely benign for this disease.

Illumina Laboratory Services, Illumina
Classification: Benign for Lethal acantholytic epidermolysis bullosa. Last evaluated: 2018-01-13. Review status: criteria provided, single submitter. Criteria: ICSL Variant Classification Criteria 13 December 2019. Collection method: clinical testing. Allele origin: germline.
Comment: the same text as in the submission from Illumina Laboratory Services, Illumina above.

Mayo Clinic Laboratories, Mayo Clinic
Classification: Benign. Last evaluated: 2015-03-30. Review status: criteria provided, single submitter. Criteria: ACMG Guidelines, 2015. Collection method: clinical testing. Allele origin: germline. Observed: 95 variant alleles.

GeneDx
Classification: Benign. Last evaluated: 2015-03-03. Review status: criteria provided, single submitter. Criteria: GeneDx Variant Classification Process June 2021. Collection method: clinical testing. Allele origin: germline. Affected: yes.

Laboratory for Molecular Medicine, Mass General Brigham Personalized Medicine
Classification: Benign. Last evaluated: 2011-12-12. Review status: criteria provided, single submitter. Criteria: LMM Criteria. Collection method: clinical testing. Allele origin: germline. Observed: 148 variant alleles.
Comment: 273+10C>T in intron 2 of DSP: This variant is not expected to have clinical sign ificance because it is not located in the conserved region of the splicing conse nsus sequence. 273+10C>T in intron 2 of DSP (allele frequency = 1.4%, 30/2000)

Breakthrough Genomics
Classification: Likely benign. Review status: criteria provided, single submitter. Criteria: ACMG Guidelines, 2015. Collection method: not provided. Allele origin: germline. Inheritance: Autosomal recessive inheritance. Affected: yes.

PreventionGenetics, part of Exact Sciences
Classification: Benign. Review status: criteria provided, single submitter. Criteria: ACMG Guidelines, 2015. Collection method: clinical testing. Allele origin: germline.

Cohesion Phenomics
Classification: Likely benign for Cardiomyopathy. Last evaluated: 2022-10-04. Review status: no assertion criteria provided. Criteria: ACMG Guidelines, 2015. Collection method: clinical testing. Allele origin: germline. Affected: yes. Not counted in ClinVar's aggregate classification.

Clinical Genetics DNA and cytogenetics Diagnostics Lab, Erasmus MC, Erasmus Medical Center
Classification: Benign. Review status: no assertion criteria provided. Collection method: clinical testing. Allele origin: germline. Affected: yes. Study: VKGL Data-share Consensus. Not counted in ClinVar's aggregate classification.

Clinical Genetics, Academic Medical Center
Classification: Benign. Review status: no assertion criteria provided. Collection method: clinical testing. Allele origin: germline. Affected: yes. Study: VKGL Data-share Consensus. Not counted in ClinVar's aggregate classification.

Diagnostic Laboratory, Department of Genetics, University Medical Center Groningen
Classification: Benign. Review status: no assertion criteria provided. Collection method: clinical testing. Allele origin: germline. Affected: yes. Study: VKGL Data-share Consensus. Not counted in ClinVar's aggregate classification.

Genome Diagnostics Laboratory, University Medical Center Utrecht
Classification: Benign. Review status: no assertion criteria provided. Collection method: clinical testing. Allele origin: germline. Affected: yes. Study: VKGL Data-share Consensus. Not counted in ClinVar's aggregate classification.

Joint Genome Diagnostic Labs from Nijmegen and Maastricht, Radboudumc and MUMC+
Classification: Benign. Review status: no assertion criteria provided. Collection method: clinical testing. Allele origin: germline. Affected: yes. Study: VKGL Data-share Consensus. Not counted in ClinVar's aggregate classification.

NM_004415.4(DSP):c.273+10C>T

Gene: DSP (desmoplakin; plus strand). Cytogenetic location: 6p24.3.
Variant type: single nucleotide variant.
Coding change: c.273+10C>T on transcript NM_004415.4 (MANE Select); 10 bases into the intron after coding-DNA position 273, C replaced by T.
Molecular consequence: intron variant.
Genome position (GRCh38, 1-based): chr6:7,555,830, C>T. VCF-style: chr6-7555830-C-T. GRCh37 (hg19) VCF-style: chr6-7556063-C-T.
Other names: p.?; c.273+10C>T (NM_001319034.2, NM_001008844.3).
Identifiers: ClinVar variation 44879 (VCV000044879.35), dbSNP rs56148603, ClinGen allele CA005523.